The following is an entry in ClinVar:

ClinVar aggregate classification (germline): Uncertain significance (1 of 4 stars; one submission).

Conditions:
PHIP-related disorder. Also called: PHIP-related disorders; PHIP-related condition.

gnomAD v4.1: 2 of 1,556,570 alleles (0.00013%); highest among the groups gnomAD compares: African/African-American, 0.0027%; no homozygotes.

Submission:

PreventionGenetics, part of Exact Sciences
Classification: Uncertain significance for PHIP-related condition. Last evaluated: 2025-05-19. Review status: criteria provided, single submitter. Criteria: ACMG Guidelines, 2015. Collection method: clinical testing. Allele origin: germline.
Comment: The PHIP c.3367A>G variant is predicted to result in the amino acid substitution p.Ile1123Val. To our knowledge, this variant has not been reported in the literature or in a large population database (gnomAD), indicating this variant is rare. At this time, the clinical significance of this variant is uncertain due to the absence of conclusive functional and genetic evidence.

NM_017934.7(PHIP):c.3367A>G (p.Ile1123Val)

Genes: IRAK1BP1 (interleukin 1 receptor associated kinase 1 binding protein 1; plus strand), PHIP (PHIP subunit of CUL4-Ring ligase complex; minus strand). Cytogenetic location: 6q14.1.
Variant type: single nucleotide variant.
Coding change: c.3367A>G on transcript NM_017934.7 (MANE Select); coding-DNA position 3367, A replaced by G.
Protein change: p.Ile1123Val; replaces isoleucine 1123 with valine.
Molecular consequence: missense variant.
Genome position (GRCh38, 1-based): chr6:78,965,715, T>C on the plus strand (A>G on the coding strand, the complement: PHIP is on the minus strand). VCF-style: chr6-78965715-T-C. GRCh37 (hg19) VCF-style: chr6-79675432-T-C.
Other names: short protein forms I1123V.
Identifiers: ClinVar variation 4988542 (VCV004988542.1).